The following is an entry in ClinVar:

ClinVar aggregate classification (germline): Uncertain significance. Review status: criteria provided, multiple submitters, no conflicts (2 of 4 stars). 2 submissions from 2 submitters: Uncertain significance (2). Last evaluated 2024-06-12.

Conditions:
Fanconi anemia complementation group L (FANCL). Also called: FANCL-Related Fanconi Anemia. Identifiers: Orphanet 84, MedGen C3469528, MONDO:0013566, OMIM 614083.
Fanconi anemia (FA). Also called: Fanconi's anemia. Identifiers: Orphanet 84, MedGen C0015625, MeSH D005199, MONDO:0019391.

Allele frequency attached by ClinVar (database versions not stated): gnomAD exomes 0.00001; TOPMed 0.00001.
gnomAD v4.1: 9 of 1,596,420 alleles (0.00056%); highest among the groups gnomAD compares: Non-Finnish European, 0.00077%; no homozygotes.

Submissions (2):

Fulgent Genetics
Classification: Uncertain significance for Fanconi anemia complementation group L. Last evaluated: 2024-06-12. Review status: criteria provided, single submitter. Criteria: ACMG Guidelines, 2015. Collection method: clinical testing. Allele origin: germline.

Labcorp Genetics (formerly Invitae), Labcorp
Classification: Uncertain significance for Fanconi anemia. Last evaluated: 2020-03-24. Review status: criteria provided, single submitter. Criteria: Invitae Variant Classification Sherloc (09022015). Collection method: clinical testing. Allele origin: germline.
Comment: This sequence change falls in intron 5 of the FANCL gene. It does not directly change the encoded amino acid sequence of the FANCL protein, but it affects a nucleotide within the consensus splice site of the intron. This variant is not present in population databases (ExAC no frequency). This variant has not been reported in the literature in individuals with FANCL-related conditions. Nucleotide substitutions within the consensus splice site are a relatively common cause of aberrant splicing (PMID: 17576681, 9536098). Algorithms developed to predict the effect of sequence changes on RNA splicing suggest that this variant may disrupt the consensus splice site, but this prediction has not been confirmed by published transcriptional studies. In summary, the available evidence is currently insufficient to determine the role of this variant in disease. Therefore, it has been classified as a Variant of Uncertain Significance.

Literature cited by the submitters: PubMed 17576681 (cited by Labcorp Genetics (formerly Invitae), Labcorp); PubMed 9536098 (cited by Labcorp Genetics (formerly Invitae), Labcorp).

NM_018062.4(FANCL):c.374+3A>G

Gene: FANCL (FA complementation group L; minus strand). Cytogenetic location: 2p16.1.
Variant type: single nucleotide variant.
Coding change: c.374+3A>G on transcript NM_018062.4 (MANE Select); 3 bases into the intron after coding-DNA position 374, A replaced by G.
Molecular consequence: intron variant.
Genome position (GRCh38, 1-based): chr2:58,221,939, T>C on the plus strand (A>G on the coding strand, the complement: FANCL is on the minus strand). VCF-style: chr2-58221939-T-C. GRCh37 (hg19) VCF-style: chr2-58449074-T-C.
Other names: c.374+3A>G (NM_001374615.1, NM_001114636.2, NM_001410792.1).
Identifiers: ClinVar variation 1019755 (VCV001019755.5), dbSNP rs999309828, ClinGen allele CA48734390.